The following is an entry in ClinVar:

ClinVar aggregate classification (germline): Uncertain significance (1 of 4 stars; one submission).

Submission:

Labcorp Genetics (formerly Invitae), Labcorp
Classification: Uncertain significance. Last evaluated: 2021-11-29. Review status: criteria provided, single submitter. Criteria: Invitae Variant Classification Sherloc (09022015). Collection method: clinical testing. Allele origin: germline.
Comment: This variant is not present in population databases (gnomAD no frequency). In summary, the available evidence is currently insufficient to determine the role of this variant in disease. Therefore, it has been classified as a Variant of Uncertain Significance. This variant has not been reported in the literature in individuals affected with ARHGEF10-related conditions. This sequence change creates a premature translational stop signal (p.Pro878Leufs*5) in the ARHGEF10 gene. It is expected to result in an absent or disrupted protein product. However, the current clinical and genetic evidence is not sufficient to establish whether loss-of-function variants in ARHGEF10 cause disease.

NM_014629.4(ARHGEF10):c.2633del (p.Pro878fs)

Gene: ARHGEF10 (Rho guanine nucleotide exchange factor 10; plus strand). Cytogenetic location: 8p23.3.
Variant type: Deletion.
Coding change: c.2633del on transcript NM_014629.4 (MANE Select); coding-DNA position 2633, one base deleted (C; older notation c.2633delC).
Protein change: p.Pro878fs; shifts the reading frame from proline 878.
Molecular consequence: frameshift variant.
Genome position (GRCh38, 1-based): chr8:1,926,399, C deleted; the last of 3 consecutive C bases (chr8:1,926,397-1,926,399); deleting any one gives the same sequence. VCF-style (leftmost placement, unchanged base first): chr8-1926396-AC-A. GRCh37 (hg19) VCF-style: chr8-1874562-AC-A.
Other names: c.2519del, p.Pro840fs (NM_001308152.2); c.2633delC, p.Pro878Leufs (NM_001308153.3); short protein forms P878fs, P902fs, P840fs.
Identifiers: ClinVar variation 1395720 (VCV001395720.6), dbSNP rs2129219648, ClinGen allele CA2573142527.